The following is an entry in ClinVar:

ClinVar aggregate classification (germline): Benign (0 of 4 stars; one submission).

Conditions:
MUC16-related disorder. Also called: MUC16-related condition.

Allele frequency attached by ClinVar (database versions not stated): 1000 Genomes Project 30x 0.11040.

Submission:

PreventionGenetics, part of Exact Sciences
Classification: Benign for MUC16-related condition. Last evaluated: 2019-06-06. Review status: no assertion criteria provided. Collection method: clinical testing. Allele origin: germline.
Comment: This variant is classified as benign based on ACMG/AMP sequence variant interpretation guidelines (Richards et al. 2015 PMID: 25741868, with internal and published modifications).

NM_001401501.2(MUC16):c.39450C>T (p.Asn13150=)

Gene: MUC16 (mucin 16, cell surface associated; minus strand). Cytogenetic location: 19p13.2.
Variant type: single nucleotide variant.
Coding change: c.39450C>T on transcript NM_001401501.2 (MANE Select); coding-DNA position 39450, C replaced by T.
Protein change: p.Asn13150=; no amino-acid change (asparagine 13150 retained).
Molecular consequence: synonymous variant.
Genome position (GRCh38, 1-based): chr19:8,897,612, G>A on the plus strand (C>T on the coding strand, the complement: MUC16 is on the minus strand). VCF-style: chr19-8897612-G-A. GRCh37 (hg19) VCF-style: chr19-9008288-G-A.
Other names: c.39876C>T, p.Asn13292= (NM_001414686.1); c.39330C>T, p.Asn13110= (NM_001414687.1); c.39264C>T, p.Asn13088= (NM_024690.2).
Identifiers: ClinVar variation 3043581 (VCV003043581.2), dbSNP rs1362249832, ClinGen allele CA505285864.